The following is an entry in ClinVar:

ClinVar aggregate classification (germline): Uncertain significance (1 of 4 stars; one submission).

Conditions:
Hereditary cancer-predisposing syndrome. Also called: Tumor predisposition; Neoplastic Syndromes, Hereditary; Hereditary Cancer Syndrome; Hereditary neoplastic syndrome. Identifiers: Orphanet 140162, MedGen C0027672, MeSH D009386, MONDO:0015356.

Submission:

Ambry Genetics
Classification: Uncertain significance for Hereditary cancer-predisposing syndrome. Last evaluated: 2025-02-06. Review status: criteria provided, single submitter. Criteria: Ambry Variant Classification Scheme 2023. Collection method: clinical testing. Allele origin: germline.
Comment: The p.K648R variant (also known as c.1943A>G), located in coding exon 15 of the POLD1 gene, results from an A to G substitution at nucleotide position 1943. The lysine at codon 648 is replaced by arginine, an amino acid with highly similar properties. This amino acid position is conserved. In addition, this alteration is predicted to be tolerated by in silico analysis. Based on the available evidence, the clinical significance of this variant remains unclear.

NM_002691.4(POLD1):c.1943A>G (p.Lys648Arg)

Gene: POLD1 (DNA polymerase delta 1, catalytic subunit; plus strand). Cytogenetic location: 19q13.33.
Variant type: single nucleotide variant.
Coding change: c.1943A>G on transcript NM_002691.4 (MANE Select); coding-DNA position 1943, A replaced by G.
Protein change: p.Lys648Arg; replaces lysine 648 with arginine.
Molecular consequence: missense variant. On other transcripts: non-coding transcript variant (1).
Genome position (GRCh38, 1-based): chr19:50,409,172, A>G. VCF-style: chr19-50409172-A-G. GRCh37 (hg19) VCF-style: chr19-50912429-A-G.
Other names: c.1943A>G, p.Lys648Arg (NM_001256849.1); c.2021A>G, p.Lys674Arg (NM_001308632.1); short protein forms K648R, K674R.
Identifiers: ClinVar variation 3891273 (VCV003891273.1).